The following is an entry in ClinVar:

ClinVar aggregate classification (germline): Likely benign (1 of 4 stars; one submission).

gnomAD v4.1: 12 of 1,612,336 alleles (0.00074%); highest among the groups gnomAD compares: Middle Eastern, 0.017%; no homozygotes.

Submission:

CeGaT Center for Human Genetics Tuebingen
Classification: Likely benign. Last evaluated: 2025-10-01. Review status: criteria provided, single submitter. Criteria: CeGaT Center For Human Genetics Tuebingen Variant Classification Criteria Version 2. Collection method: clinical testing. Allele origin: germline. Affected: yes. Observed: 1 variant allele.
Comment: SIN3B: BP4, BP7

NM_001297595.2(SIN3B):c.3345C>G (p.Pro1115=)

Gene: SIN3B (SIN3 transcription regulator family member B; plus strand). Cytogenetic location: 19p13.11.
Variant type: single nucleotide variant.
Coding change: c.3345C>G on transcript NM_001297595.2 (MANE Select); coding-DNA position 3345, C replaced by G.
Protein change: p.Pro1115=; no amino-acid change (proline 1115 retained).
Molecular consequence: synonymous variant.
Genome position (GRCh38, 1-based): chr19:16,878,679, C>G. VCF-style: chr19-16878679-C-G. GRCh37 (hg19) VCF-style: chr19-16989490-C-G.
Other names: c.2115C>G, p.Pro705= (NM_001297597.2); c.3441C>G, p.Pro1147= (NM_015260.4).
Identifiers: ClinVar variation 4534284 (VCV004534284.6).